The following is an entry in ClinVar:

NM_001122630.2(CDKN1C):c.-10-24del

Gene: CDKN1C (cyclin dependent kinase inhibitor 1C; minus strand). Cytogenetic location: 11p15.4.
Variant type: Deletion.
Coding change: c.-10-24del on transcript NM_001122630.2 (MANE Select); 24 bases into the intron before 10 bases upstream of the start codon, one base deleted (C; older notation c.-10-24delC).
Molecular consequence: intron variant. On other transcripts: 5 prime UTR variant (3).
Genome position (GRCh38, 1-based): chr11:2,885,490, G deleted on the plus strand (C on the coding strand, the reverse complement: CDKN1C is on the minus strand); the first of 2 consecutive G bases (chr11:2,885,490-2,885,491); deleting either gives the same sequence. VCF-style (leftmost placement, unchanged base first): chr11-2885489-TG-T. GRCh37 (hg19) VCF-style: chr11-2906719-TG-T.
Other names: c.-1del (NM_000076.2, NM_001362474.2); c.-10-24del (NM_001362475.2, NM_001122631.2); c.-1delC (NM_000076.2).
Identifiers: ClinVar variation 3032888 (VCV003032888.2), dbSNP rs770109299, ClinGen allele CA5822255.

ClinVar aggregate classification (germline): Likely benign (0 of 4 stars; one submission).

Conditions:
CDKN1C-related disorder. Also called: CDKN1C-related condition.

Submission:

PreventionGenetics, part of Exact Sciences
Classification: Likely benign for CDKN1C-related condition. Last evaluated: 2023-10-05. Review status: no assertion criteria provided. Collection method: clinical testing. Allele origin: germline.
Comment: This variant is classified as likely benign based on ACMG/AMP sequence variant interpretation guidelines (Richards et al. 2015 PMID: 25741868, with internal and published modifications).